The following is an entry in ClinVar:

NM_001793.6(CDH3):c.2042G>A (p.Arg681Gln)

Gene: CDH3 (cadherin 3; plus strand). Cytogenetic location: 16q22.1.
Variant type: single nucleotide variant.
Coding change: c.2042G>A on transcript NM_001793.6 (MANE Select); coding-DNA position 2042, G replaced by A.
Protein change: p.Arg681Gln; replaces arginine 681 with glutamine.
Molecular consequence: missense variant.
Genome position (GRCh38, 1-based): chr16:68,695,294, G>A. VCF-style: chr16-68695294-G-A. GRCh37 (hg19) VCF-style: chr16-68729197-G-A.
Other names: c.2042G>A, p.Arg681Gln (NM_001317195.3); c.1877G>A, p.Arg626Gln (NM_001317196.2); short protein forms R681Q, R626Q.
Identifiers: ClinVar variation 281442 (VCV000281442.22), dbSNP rs758614807, ClinGen allele CA8129554.

ClinVar aggregate classification (germline): Conflicting classifications of pathogenicity. Review status: criteria provided, conflicting classifications (1 of 4 stars). 5 submissions from 5 submitters: Uncertain significance (3); Likely benign (2). Last evaluated 2026-01-23.

Conditions:
EEM syndrome (EEMS). Identifiers: Orphanet 1897, MedGen C1857041, MONDO:0009155, OMIM 225280.

Allele frequency attached by ClinVar (database versions not stated): gnomAD 0.00011 and 0.00014; TOPMed 0.00023.
gnomAD v4.1: 156 of 1,614,076 alleles (0.0097%); highest among the groups gnomAD compares: Middle Eastern, 0.35%; 1 homozygote.

Submissions (5):

Labcorp Genetics (formerly Invitae), Labcorp
Classification: Likely benign. Last evaluated: 2026-01-23. Review status: criteria provided, single submitter. Criteria: Invitae Variant Classification Sherloc (09022015). Collection method: clinical testing. Allele origin: germline.

Blueprint Genetics
Classification: Likely benign. Last evaluated: 2024-10-30. Review status: criteria provided, single submitter. Criteria: ACMG Guidelines, 2015. Collection method: clinical testing. Allele origin: germline.

Baylor Genetics
Classification: Uncertain significance for EEM syndrome. Last evaluated: 2019-12-09. Review status: criteria provided, single submitter. Criteria: ACMG Guidelines, 2015. Collection method: clinical testing. Allele origin: unknown. Affected: yes.
Comment: This variant was determined to be of uncertain significance according to ACMG Guidelines, 2015 [PMID:25741868].

Illumina Laboratory Services, Illumina
Classification: Uncertain significance for EEM syndrome. Last evaluated: 2018-01-13. Review status: criteria provided, single submitter. Criteria: ICSL Variant Classification Criteria 13 December 2019. Collection method: clinical testing. Allele origin: germline.

Eurofins Ntd Llc (ga)
Classification: Uncertain significance. Last evaluated: 2017-01-11. Review status: criteria provided, single submitter. Criteria: EGL Classification Definitions 2015. Collection method: clinical testing. Allele origin: germline. Observed: 2 variant alleles, 2 heterozygotes.